The following is an entry in ClinVar:

NM_001164665.2(KIAA1549):c.5599A>G (p.Thr1867Ala)

Gene: KIAA1549 (KIAA1549; minus strand). Cytogenetic location: 7q34.
Variant type: single nucleotide variant.
Coding change: c.5599A>G on transcript NM_001164665.2 (MANE Select); coding-DNA position 5599, A replaced by G.
Protein change: p.Thr1867Ala; replaces threonine 1867 with alanine.
Molecular consequence: missense variant. On other transcripts: intron variant (1).
Genome position (GRCh38, 1-based): chr7:138,838,160, T>C on the plus strand (A>G on the coding strand, the complement: KIAA1549 is on the minus strand). VCF-style: chr7-138838160-T-C. GRCh37 (hg19) VCF-style: chr7-138522905-T-C.
Other names: c.5599-48A>G (NM_020910.3); short protein forms T1867A.
Identifiers: ClinVar variation 1485995 (VCV001485995.6), dbSNP rs960830188, ClinGen allele CA167135605.

ClinVar aggregate classification (germline): Uncertain significance (1 of 4 stars; one submission).

Allele frequency attached by ClinVar (database versions not stated): TOPMed below 0.00001; gnomAD 0.00001.

Submission:

Labcorp Genetics (formerly Invitae), Labcorp
Classification: Uncertain significance. Last evaluated: 2022-06-20. Review status: criteria provided, single submitter. Criteria: Invitae Variant Classification Sherloc (09022015). Collection method: clinical testing. Allele origin: germline.
Comment: In summary, the available evidence is currently insufficient to determine the role of this variant in disease. Therefore, it has been classified as a Variant of Uncertain Significance. Algorithms developed to predict the effect of missense changes on protein structure and function output the following: SIFT: "Tolerated"; PolyPhen-2: "Benign"; Align-GVGD: "Class C0". The alanine amino acid residue is found in multiple mammalian species, which suggests that this missense change does not adversely affect protein function. This variant has not been reported in the literature in individuals affected with KIAA1549-related conditions. This variant is not present in population databases (gnomAD no frequency). This sequence change replaces threonine, which is neutral and polar, with alanine, which is neutral and non-polar, at codon 1867 of the KIAA1549 protein (p.Thr1867Ala).